The following is an entry in ClinVar:

NM_006230.4(POLD2):c.192C>A (p.Phe64Leu)

Gene: POLD2 (DNA polymerase delta 2, accessory subunit; minus strand). Cytogenetic location: 7p13.
Variant type: single nucleotide variant.
Coding change: c.192C>A on transcript NM_006230.4 (MANE Select); coding-DNA position 192, C replaced by A.
Protein change: p.Phe64Leu; replaces phenylalanine 64 with leucine.
Molecular consequence: missense variant.
Genome position (GRCh38, 1-based): chr7:44,121,862, G>T on the plus strand (C>A on the coding strand, the complement: POLD2 is on the minus strand). VCF-style: chr7-44121862-G-T. GRCh37 (hg19) VCF-style: chr7-44161461-G-T.
Other names: c.192C>A, p.Phe64Leu (NM_001127218.3, NM_001256879.2); short protein forms F64L.
Identifiers: ClinVar variation 1977762 (VCV001977762.5), dbSNP rs2484414430, ClinGen allele CA367387026.
Genomic context (GRCh38, chr7:44,121,862, plus strand): 5'-TGGGGGAAGCACCTTCCCAAACTCTCACTTACCCCAGTGCTGCTGGGCCCGGTTCTCCAG[G>T]AAGGGTCTCATTTGGATGAGGCGGGTGGCATAAATGTGGGCATACTGCCGGCTAAAGCTG-3'
Protein context (NP_006221.3, residues 54-74): YATRLIQMRP[Phe64Leu]LENRAQQHWG

ClinVar aggregate classification (germline): Uncertain significance (1 of 4 stars; one submission).

Submission:

Labcorp Genetics (formerly Invitae), Labcorp
Classification: Uncertain significance. Last evaluated: 2023-10-13. Review status: criteria provided, single submitter. Criteria: Invitae Variant Classification Sherloc (09022015). Collection method: clinical testing. Allele origin: germline.
Comment: This sequence change replaces phenylalanine, which is neutral and non-polar, with leucine, which is neutral and non-polar, at codon 99 of the POLD2 protein (p.Phe99Leu). This variant is not present in population databases (gnomAD no frequency). This variant has not been reported in the literature in individuals affected with POLD2-related conditions. ClinVar contains an entry for this variant (Variation ID: 1977762). Algorithms developed to predict the effect of missense changes on protein structure and function output the following: SIFT: "Not Available"; PolyPhen-2: "Not Available"; Align-GVGD: "Not Available". The leucine amino acid residue is found in multiple mammalian species, which suggests that this missense change does not adversely affect protein function. In summary, the available evidence is currently insufficient to determine the role of this variant in disease. Therefore, it has been classified as a Variant of Uncertain Significance.